The following is an entry in ClinVar:

NM_016148.5(SHANK1):c.6249G>A (p.Ser2083=)

Gene: SHANK1 (SH3 and multiple ankyrin repeat domains 1; minus strand). Cytogenetic location: 19q13.33.
Variant type: single nucleotide variant.
Coding change: c.6249G>A on transcript NM_016148.5 (MANE Select); coding-DNA position 6249, G replaced by A.
Protein change: p.Ser2083=; no amino-acid change (serine 2083 retained).
Molecular consequence: synonymous variant.
Genome position (GRCh38, 1-based): chr19:50,662,202, C>T on the plus strand (G>A on the coding strand, the complement: SHANK1 is on the minus strand). VCF-style: chr19-50662202-C-T. GRCh37 (hg19) VCF-style: chr19-51165459-C-T.
Identifiers: ClinVar variation 3052315 (VCV003052315.2), dbSNP rs144116162, ClinGen allele CA9600814.

ClinVar aggregate classification (germline): Likely benign (0 of 4 stars; one submission).

Conditions:
SHANK1-related disorder. Also called: SHANK1-related condition.

Allele frequency attached by ClinVar (database versions not stated): 1000 Genomes Project 30x 0.00016; 1000 Genomes Project 0.00020; TOPMed 0.00062; ExAC 0.00072; gnomAD 0.00072; ESP Exome Variant Server 0.00077; gnomAD exomes 0.00130.
gnomAD v4.1: 1,976 of 1,608,876 alleles (0.12%); highest among the groups gnomAD compares: Non-Finnish European, 0.16%; 3 homozygotes.

Submission:

PreventionGenetics, part of Exact Sciences
Classification: Likely benign for SHANK1-related condition. Last evaluated: 2019-08-16. Review status: no assertion criteria provided. Collection method: clinical testing. Allele origin: germline.
Comment: This variant is classified as likely benign based on ACMG/AMP sequence variant interpretation guidelines (Richards et al. 2015 PMID: 25741868, with internal and published modifications).